The following is an entry in ClinVar:

NM_198576.4(AGRN):c.2101G>A (p.Gly701Arg)

Gene: AGRN (agrin; plus strand). Cytogenetic location: 1p36.33.
Variant type: single nucleotide variant.
Coding change: c.2101G>A on transcript NM_198576.4 (MANE Select); coding-DNA position 2101, G replaced by A.
Protein change: p.Gly701Arg; replaces glycine 701 with arginine.
Molecular consequence: missense variant.
Genome position (GRCh38, 1-based): chr1:1,044,210, G>A. VCF-style: chr1-1044210-G-A. GRCh37 (hg19) VCF-style: chr1-979590-G-A.
Other names: c.2101G>A, p.Gly701Arg (NM_001305275.2); c.1786G>A, p.Gly596Arg (NM_001364727.2); short protein forms G596R, G701R.
Identifiers: ClinVar variation 951236 (VCV000951236.7), dbSNP rs147195498, ClinGen allele CA508466.

ClinVar aggregate classification (germline): Uncertain significance (1 of 4 stars; one submission).

Conditions:
Congenital myasthenic syndrome 8. Also called: MYASTHENIC SYNDROME, CONGENITAL, DUE TO AGRIN DEFICIENCY; Myasthenic syndrome, congenital, 8, with pre- and postsynaptic defects. Identifiers: Orphanet 590, MedGen C3808739, MONDO:0014052, OMIM 615120.

Allele frequency attached by ClinVar (database versions not stated): gnomAD 0.00001 and 0.00002; gnomAD exomes 0.00001; ExAC 0.00002; TOPMed 0.00003; ESP Exome Variant Server 0.00008.
gnomAD v4.1: 11 of 1,612,944 alleles (0.00068%); highest among the groups gnomAD compares: African/African-American, 0.0053%; no homozygotes.

Submission:

Labcorp Genetics (formerly Invitae), Labcorp
Classification: Uncertain significance for Congenital myasthenic syndrome 8. Last evaluated: 2021-08-27. Review status: criteria provided, single submitter. Criteria: Invitae Variant Classification Sherloc (09022015). Collection method: clinical testing. Allele origin: germline.
Comment: This sequence change replaces glycine with arginine at codon 701 of the AGRN protein (p.Gly701Arg). The glycine residue is moderately conserved and there is a moderate physicochemical difference between glycine and arginine. This variant is present in population databases (rs147195498, ExAC 0.01%). This variant has not been reported in the literature in individuals affected with AGRN-related conditions. Algorithms developed to predict the effect of missense changes on protein structure and function are either unavailable or do not agree on the potential impact of this missense change (SIFT: "Tolerated"; PolyPhen-2: "Probably Damaging"; Align-GVGD: "Class C0"). In summary, the available evidence is currently insufficient to determine the role of this variant in disease. Therefore, it has been classified as a Variant of Uncertain Significance.